The following is an entry in ClinVar:

ClinVar aggregate classification (germline): Uncertain significance (1 of 4 stars; one submission).

Conditions:
Baller-Gerold syndrome (BGS). Also called: CRANIOSYNOSTOSIS WITH RADIAL DEFECTS. Identifiers: Orphanet 1225, MedGen C0265308, MONDO:0009039, OMIM 218600.

gnomAD v4.1: 2 of 1,611,996 alleles (0.00012%); highest among the groups gnomAD compares: East Asian, 0.0045%; no homozygotes.

Submission:

Labcorp Genetics (formerly Invitae), Labcorp
Classification: Uncertain significance for Baller-Gerold syndrome. Last evaluated: 2021-06-26. Review status: criteria provided, single submitter. Criteria: Invitae Variant Classification Sherloc (09022015). Collection method: clinical testing. Allele origin: germline.
Comment: In summary, the available evidence is currently insufficient to determine the role of this variant in disease. Therefore, it has been classified as a Variant of Uncertain Significance. Experimental studies and prediction algorithms are not available or were not evaluated, and the functional significance of this variant is currently unknown. This variant has not been reported in the literature in individuals with RECQL4-related conditions. This variant is not present in population databases (ExAC no frequency). This sequence change replaces alanine with glutamic acid at codon 939 of the RECQL4 protein (p.Ala939Glu). The alanine residue is moderately conserved and there is a moderate physicochemical difference between alanine and glutamic acid.

NM_004260.4(RECQL4):c.2816C>A (p.Ala939Glu)

Gene: RECQL4 (RecQ like helicase 4; minus strand). Cytogenetic location: 8q24.3.
Variant type: single nucleotide variant.
Coding change: c.2816C>A on transcript NM_004260.4 (MANE Select); coding-DNA position 2816, C replaced by A.
Protein change: p.Ala939Glu; replaces alanine 939 with glutamic acid.
Molecular consequence: missense variant.
Genome position (GRCh38, 1-based): chr8:144,512,711, G>T on the plus strand (C>A on the coding strand, the complement: RECQL4 is on the minus strand). VCF-style: chr8-144512711-G-T. GRCh37 (hg19) VCF-style: chr8-145738094-G-T.
Other names: short protein forms A939E.
Identifiers: ClinVar variation 1435517 (VCV001435517.6), dbSNP rs561220929, ClinGen allele CA372674275.